The following is an entry in ClinVar:

ClinVar aggregate classification (germline): Pathogenic/Likely pathogenic. Review status: criteria provided, multiple submitters, no conflicts (2 of 4 stars). 4 submissions from 4 submitters: Pathogenic (1); Likely pathogenic (2). 1 of the submissions does not count toward it. Last evaluated 2024-11-13.

Conditions:
Bardet-Biedl syndrome (BBS). Identifiers: Orphanet 110, MedGen C0752166, MONDO:0015229.
Bardet-Biedl syndrome 10 (BBS10). Identifiers: Orphanet 110, MedGen C1859568, MONDO:0014438, OMIM 615987.

Submissions (4):

Dasa
Classification: Likely pathogenic for Bardet-Biedl syndrome 10. Last evaluated: 2024-11-13. Review status: criteria provided, single submitter. Criteria: DASA Assertion Criteria. Collection method: clinical testing. Allele origin: germline.
Comment: NM_024685.4(BBS10):c.1122dup (p.Ile375Tyrfs*3) is a frameshift variant in BBS10 predicted to alter the reading frame and introduce a premature termination codon and is predicted to result in an absent or altered protein product. Loss of function is an established disease mechanism for BBS10-associated disorders. This variant has been observed in affected individuals with BBS10-related disorders. Also, this variant is rare in population databases. Based on the currently available evidence, this variant is classified as likely pathogenic.

Fulgent Genetics
Classification: Likely pathogenic for Bardet-Biedl syndrome 10. Last evaluated: 2024-01-29. Review status: criteria provided, single submitter. Criteria: ACMG Guidelines, 2015. Collection method: clinical testing. Allele origin: germline.

Labcorp Genetics (formerly Invitae), Labcorp
Classification: Pathogenic for Bardet-Biedl syndrome. Last evaluated: 2022-11-24. Review status: criteria provided, single submitter. Criteria: Invitae Variant Classification Sherloc (09022015). Collection method: clinical testing. Allele origin: germline.
Comment: For these reasons, this variant has been classified as Pathogenic. This variant disrupts a region of the BBS10 protein in which other variant(s) (p.Val707*) have been determined to be pathogenic (PMID: 20472660, 22773737, 25982971, 27486776). This suggests that this is a clinically significant region of the protein, and that variants that disrupt it are likely to be disease-causing. ClinVar contains an entry for this variant (Variation ID: 556154). This premature translational stop signal has been observed in individual(s) with Bardet-Biedl syndrome (Invitae). This variant is present in population databases (rs753604828, gnomAD 0.02%). This sequence change creates a premature translational stop signal (p.Ile375Tyrfs*3) in the BBS10 gene. While this is not anticipated to result in nonsense mediated decay, it is expected to disrupt the last 349 amino acid(s) of the BBS10 protein.

Counsyl
Classification: Likely pathogenic for Bardet-Biedl syndrome 10. Last evaluated: 2018-01-16. Review status: no assertion criteria provided. Collection method: clinical testing. Allele origin: unknown. Not counted in ClinVar's aggregate classification.

Literature cited by the submitters: PubMed 20472660 (cited by Labcorp Genetics (formerly Invitae), Labcorp); PubMed 22773737 (cited by Labcorp Genetics (formerly Invitae), Labcorp); PubMed 25982971 (cited by Labcorp Genetics (formerly Invitae), Labcorp); PubMed 27486776 (cited by Labcorp Genetics (formerly Invitae), Labcorp).

NM_024685.4(BBS10):c.1122dup (p.Ile375fs)

Gene: BBS10 (Bardet-Biedl syndrome 10; minus strand). Cytogenetic location: 12q21.2.
Variant type: Duplication.
Coding change: c.1122dup on transcript NM_024685.4 (MANE Select); coding-DNA position 1122, one base duplicated (T; older notation c.1122dupT).
Protein change: p.Ile375fs; shifts the reading frame from isoleucine 375.
Molecular consequence: frameshift variant.
Genome position (GRCh38, 1-based): chr12:76,346,863, A duplicated on the plus strand (T on the coding strand, the reverse complement: BBS10 is on the minus strand); the first of 2 consecutive A bases (chr12:76,346,863-76,346,864); duplicating either gives the same sequence. VCF-style (leftmost placement, unchanged base first): chr12-76346862-T-TA. GRCh37 (hg19) VCF-style: chr12-76740642-T-TA.
Other names: c.1122dupT (NM_024685.3); c.1122dup, p.Ile375fs (LRG_1255t1); short protein forms I375fs.
Identifiers: ClinVar variation 556154 (VCV000556154.10), dbSNP rs753604828, ClinGen allele CA6694224.